The following is an entry in ClinVar:

NM_000059.4(BRCA2):c.6109_6113del (p.Glu2037fs)

Gene: BRCA2 (BRCA2 DNA repair associated; plus strand). Cytogenetic location: 13q13.1.
Variant type: Deletion.
Coding change: c.6109_6113del on transcript NM_000059.4 (MANE Select); coding-DNA positions 6109 to 6113, 5 bases deleted (GAACA; older notation c.6109_6113delGAACA).
Protein change: p.Glu2037fs; shifts the reading frame from glutamic acid 2037.
Molecular consequence: frameshift variant.
Genome position (GRCh38, 1-based): chr13:32,340,464-32,340,468, GAACA deleted; deleting any 5 consecutive bases within chr13:32,340,462-32,340,468 gives the same sequence; the c. name uses the placement nearest the transcript's 3' end. VCF-style (leftmost placement, unchanged base first): chr13-32340461-CCAGAA-C. GRCh37 (hg19) VCF-style: chr13-32914598-CCAGAA-C.
Other names: c.6109_6113delGAACA (NM_000059.3); short protein forms E2037fs.
Identifiers: ClinVar variation 254574 (VCV000254574.2), dbSNP rs886038139, ClinGen allele CA10586551.
Genomic context (GRCh38, chr13:32,340,461, plus strand): 5'-TTTAAAAGTAACGAACATTCAGACCAGCTCACAAGAGAAGAAAATACTGCTATACGTACT[CCAGAA>C]CATTTAATATCCCAAAAAGGCTTTTCATATAATGTGGTAAATTCATCTGCTTTCTCTGGA-3'

ClinVar aggregate classification (germline): Pathogenic (3 of 4 stars; one submission).

Conditions:
Breast-ovarian cancer, familial, susceptibility to, 2 (BROVCA2). Also called: BRCA2 Hereditary Breast and Ovarian Cancer. Identifiers: Orphanet 145, MedGen C2675520, MONDO:0012933, OMIM 612555. Disease mechanism: loss of function.

Submission:

Evidence-based Network for the Interpretation of Germline Mutant Alleles (ENIGMA)
Classification: Pathogenic for Breast-ovarian cancer, familial, susceptibility to, 2. Last evaluated: 2016-09-08. Review status: reviewed by expert panel. Criteria: ENIGMA BRCA1/2 Classification Criteria (2015). Collection method: curation. Allele origin: germline.
Comment: Variant allele predicted to encode a truncated non-functional protein.